The following is an entry in ClinVar:

ClinVar aggregate classification (germline): Pathogenic. Review status: reviewed by expert panel (3 of 4 stars). 2 submissions from 2 submitters: Pathogenic (1). 1 of the submissions does not count toward it. Last evaluated 2016-09-08.

Conditions:
Breast-ovarian cancer, familial, susceptibility to, 2 (BROVCA2). Also called: BRCA2 Hereditary Breast and Ovarian Cancer. Identifiers: Orphanet 145, MedGen C2675520, MONDO:0012933, OMIM 612555. Disease mechanism: loss of function.

Submissions (2):

Evidence-based Network for the Interpretation of Germline Mutant Alleles (ENIGMA)
Classification: Pathogenic for Breast-ovarian cancer, familial, susceptibility to, 2. Last evaluated: 2016-09-08. Review status: reviewed by expert panel. Criteria: ENIGMA BRCA1/2 Classification Criteria (2015). Collection method: curation. Allele origin: germline.
Comment: Variant allele predicted to encode a truncated non-functional protein.

Breast Cancer Information Core (BIC) (BRCA2)
Classification: Pathogenic for Breast-ovarian cancer, familial 2. Review status: no assertion criteria provided. Collection method: clinical testing. Allele origin: germline. Affected: yes. Observed: 1 variant allele. Not counted in ClinVar's aggregate classification.

NM_000059.4(BRCA2):c.3455dup (p.Leu1152fs)

Gene: BRCA2 (BRCA2 DNA repair associated; plus strand). Cytogenetic location: 13q13.1.
Variant type: Duplication.
Coding change: c.3455dup on transcript NM_000059.4 (MANE Select); coding-DNA position 3455, one base duplicated (T; older notation c.3455dupT).
Protein change: p.Leu1152fs; shifts the reading frame from leucine 1152.
Molecular consequence: frameshift variant.
Genome position (GRCh38, 1-based): chr13:32,337,810, T duplicated; the last of 2 consecutive T bases (chr13:32,337,809-32,337,810); duplicating either gives the same sequence. VCF-style (leftmost placement, unchanged base first): chr13-32337808-C-CT. GRCh37 (hg19) VCF-style: chr13-32911945-C-CT.
Other names: 3681insT; c.3455dupT (NM_000059.3); short protein forms L1152fs.
Identifiers: ClinVar variation 254517 (VCV000254517.2), dbSNP rs80359385, ClinGen allele CA018080.
Genomic context (GRCh38, chr13:32,337,808, plus strand): 5'-AAAACCAAGCTACATATTGCAGAAGAGTACATTTGAAGTGCCTGAAAACCAGATGACTAT[C>CT]TTAAAGACCACTTCTGAGGAATGCAGAGATGCTGATCTTCATGTCATAATGAATGCCCCA-3'